The following is an entry in ClinVar:

ClinVar aggregate classification (germline): Uncertain significance (1 of 4 stars; one submission).

gnomAD v4.1: 3 of 1,367,482 alleles (0.00022%); highest among the groups gnomAD compares: Non-Finnish European, 0.00029%; no homozygotes.

Submission:

Labcorp Genetics (formerly Invitae), Labcorp
Classification: Uncertain significance. Last evaluated: 2025-06-17. Review status: criteria provided, single submitter. Criteria: Invitae Variant Classification Sherloc (09022015). Collection method: clinical testing. Allele origin: germline.
Comment: This sequence change replaces serine, which is neutral and polar, with phenylalanine, which is neutral and non-polar, at codon 1374 of the ERCC6L2 protein (p.Ser1374Phe). This variant is not present in population databases (gnomAD no frequency). This variant has not been reported in the literature in individuals affected with ERCC6L2-related conditions. Experimental studies and prediction algorithms are not available or were not evaluated, and the functional significance of this variant is currently unknown. In summary, the available evidence is currently insufficient to determine the role of this variant in disease. Therefore, it has been classified as a Variant of Uncertain Significance.

NM_020207.7(ERCC6L2):c.4088C>T (p.Ser1363Phe)

Gene: ERCC6L2 (ERCC excision repair 6 like 2; plus strand). Cytogenetic location: 9q22.32.
Variant type: single nucleotide variant.
Coding change: c.4088C>T on transcript NM_020207.7 (MANE Select); coding-DNA position 4088, C replaced by T.
Protein change: p.Ser1363Phe; replaces serine 1363 with phenylalanine.
Molecular consequence: missense variant. On other transcripts: non-coding transcript variant (1), intron variant (2).
Genome position (GRCh38, 1-based): chr9:96,012,638, C>T. VCF-style: chr9-96012638-C-T. GRCh37 (hg19) VCF-style: chr9-98774920-C-T.
Other names: c.3674+7937C>T (NM_001375291.1, NM_001375292.1); short protein forms S1363F.
Identifiers: ClinVar variation 4721245 (VCV004721245.1).